The following is an entry in ClinVar:

NM_001130823.3(DNMT1):c.238G>A (p.Ala80Thr)

Gene: DNMT1 (DNA methyltransferase 1; minus strand). Cytogenetic location: 19p13.2.
Variant type: single nucleotide variant.
Coding change: c.238G>A on transcript NM_001130823.3 (MANE Select); coding-DNA position 238, G replaced by A.
Protein change: p.Ala80Thr; replaces alanine 80 with threonine.
Molecular consequence: missense variant. On other transcripts: intron variant (1).
Genome position (GRCh38, 1-based): chr19:10,180,557, C>T on the plus strand (G>A on the coding strand, the complement: DNMT1 is on the minus strand). VCF-style: chr19-10180557-C-T. GRCh37 (hg19) VCF-style: chr19-10291233-C-T.
Other names: c.238G>A, p.Ala80Thr (NM_001318730.2, NM_001379.4); c.-98-28G>A (NM_001318731.2); short protein forms A80T.
Identifiers: ClinVar variation 4883640 (VCV004883640.2).

ClinVar aggregate classification (germline): Uncertain significance (1 of 4 stars; one submission).

Conditions:
Hereditary sensory neuropathy-deafness-dementia syndrome. Also called: HSN IE; NEUROPATHY, HEREDITARY SENSORY, WITH HEARING LOSS AND DEMENTIA; Hereditary sensory neuropathy type IE; Hereditary Sensory and Autonomic Neuropathy Type 1E (HSAN1E). Identifiers: Orphanet 456318, MedGen C3279885, MONDO:0013584, OMIM 614116.

Submission:

Dasa
Classification: Uncertain significance for Hereditary sensory neuropathy-deafness-dementia syndrome. Last evaluated: 2025-07-13. Review status: criteria provided, single submitter. Criteria: DASA Assertion Criteria. Collection method: clinical testing. Allele origin: germline.
Comment: NM_001130823.3(DNMT1):c.238G>A (p.Ala80Thr) is a missense variant that results in the substitution of alanine with threonine. This variant is absent from population databases. The currently available literature and clinical evidence are not sufficient to establish a definitive association between this variant and the reported condition. Therefore, this variant is classified as a variant of uncertain significance.